The following is an entry in ClinVar:

ClinVar aggregate classification (germline): Uncertain significance. Review status: criteria provided, multiple submitters, no conflicts (2 of 4 stars). 2 submissions from 2 submitters: Uncertain significance (2). Last evaluated 2024-04-08.

Conditions:
Inborn genetic diseases. Identifiers: MedGen C0950123, MeSH D030342.
Luscan-Lumish syndrome. Identifiers: Orphanet 597738, MedGen C4085873, MONDO:0014791, OMIM 616831.

Allele frequency attached by ClinVar (database versions not stated): ExAC 0.00002; gnomAD 0.00002 and 0.00003; TOPMed 0.00002; gnomAD exomes 0.00003.
gnomAD v4.1: 28 of 1,614,200 alleles (0.0017%); highest among the groups gnomAD compares: East Asian, 0.016%; no homozygotes.

Submissions (2):

Labcorp Genetics (formerly Invitae), Labcorp
Classification: Uncertain significance for Luscan-Lumish syndrome. Last evaluated: 2024-04-08. Review status: criteria provided, single submitter. Criteria: Invitae Variant Classification Sherloc (09022015). Collection method: clinical testing. Allele origin: germline.
Comment: This sequence change replaces asparagine, which is neutral and polar, with serine, which is neutral and polar, at codon 1303 of the SETD2 protein (p.Asn1303Ser). This variant is present in population databases (rs574705730, gnomAD 0.02%). This variant has not been reported in the literature in individuals affected with SETD2-related conditions. ClinVar contains an entry for this variant (Variation ID: 859515). Advanced modeling of protein sequence and biophysical properties (such as structural, functional, and spatial information, amino acid conservation, physicochemical variation, residue mobility, and thermodynamic stability) performed at Invitae indicates that this missense variant is not expected to disrupt SETD2 protein function with a negative predictive value of 80%. In summary, the available evidence is currently insufficient to determine the role of this variant in disease. Therefore, it has been classified as a Variant of Uncertain Significance.

Ambry Genetics
Classification: Uncertain significance for Inborn genetic diseases. Last evaluated: 2021-07-13. Review status: criteria provided, single submitter. Criteria: Ambry Variant Classification Scheme 2023. Collection method: clinical testing. Allele origin: germline.

NM_014159.7(SETD2):c.3908A>G (p.Asn1303Ser)

Gene: SETD2 (SET domain containing 2, histone lysine methyltransferase; minus strand). Cytogenetic location: 3p21.31.
Variant type: single nucleotide variant.
Coding change: c.3908A>G on transcript NM_014159.7 (MANE Select); coding-DNA position 3908, A replaced by G.
Protein change: p.Asn1303Ser; replaces asparagine 1303 with serine.
Molecular consequence: missense variant. On other transcripts: non-coding transcript variant (1).
Genome position (GRCh38, 1-based): chr3:47,120,728, T>C on the plus strand (A>G on the coding strand, the complement: SETD2 is on the minus strand). VCF-style: chr3-47120728-T-C. GRCh37 (hg19) VCF-style: chr3-47162218-T-C.
Other names: c.3776A>G, p.Asn1259Ser (NM_001349370.3); short protein forms N1259S, N1303S.
Identifiers: ClinVar variation 859515 (VCV000859515.7), dbSNP rs574705730, ClinGen allele CA2363299.